The following is an entry in ClinVar:

NM_014915.3(ANKRD26):c.3690T>A (p.Asp1230Glu)

Gene: ANKRD26 (ankyrin repeat domain 26; minus strand). Cytogenetic location: 10p12.1.
Variant type: single nucleotide variant.
Coding change: c.3690T>A on transcript NM_014915.3 (MANE Select); coding-DNA position 3690, T replaced by A.
Protein change: p.Asp1230Glu; replaces aspartic acid 1230 with glutamic acid.
Molecular consequence: missense variant.
Genome position (GRCh38, 1-based): chr10:27,033,342, A>T on the plus strand (T>A on the coding strand, the complement: ANKRD26 is on the minus strand). VCF-style: chr10-27033342-A-T. GRCh37 (hg19) VCF-style: chr10-27322271-A-T.
Other names: c.3687T>A, p.Asp1229Glu (NM_001256053.2); short protein forms D1229E, D1230E.
Identifiers: ClinVar variation 5022767 (VCV005022767.1).

ClinVar aggregate classification (germline): Uncertain significance (1 of 4 stars; one submission).

Conditions:
Inborn genetic diseases. Identifiers: MedGen C0950123, MeSH D030342.

Submission:

Ambry Genetics
Classification: Uncertain significance for Inborn genetic diseases. Last evaluated: 2026-06-16. Review status: criteria provided, single submitter. Criteria: Ambry Variant Classification Scheme 2023. Collection method: clinical testing. Allele origin: germline.
Comment: The p.D1230E variant (also known as c.3690T>A), located in coding exon 25 of the ANKRD26 gene, results from a T to A substitution at nucleotide position 3690. The aspartic acid at codon 1230 is replaced by glutamic acid, an amino acid with highly similar properties. This amino acid position is conserved. In addition, this alteration is predicted to be tolerated by in silico analysis. Based on the available evidence, the clinical significance of this variant remains unclear.